The following is an entry in ClinVar:

ClinVar aggregate classification (germline): Uncertain significance. Review status: criteria provided, multiple submitters, no conflicts (2 of 4 stars). 4 submissions from 4 submitters: Uncertain significance (4). Last evaluated 2025-01-27.

Conditions:
Polycystic kidney disease, adult type (PKD1). Also called: POLYCYSTIC KIDNEY DISEASE 1 WITH OR WITHOUT POLYCYSTIC LIVER DISEASE; POLYCYSTIC KIDNEY DISEASE, ADULT, TYPE I; Polycystic Kidney, Autosomal Dominant; Polycystic Kidney Disease 1, Autosomal Dominant; Polycystic kidney disease 1; Polycystic kidney disease 1, severe. Identifiers: MedGen C3149841, MONDO:0008263, OMIM 173900.

Allele frequency attached by ClinVar (database versions not stated): gnomAD exomes 0.00003 and 0.00004; TOPMed 0.00003; gnomAD 0.00006; ExAC 0.00008; ESP Exome Variant Server 0.00008.
gnomAD v4.1: 69 of 1,598,014 alleles (0.0043%); highest among the groups gnomAD compares: Middle Eastern, 0.37%; 1 homozygote.

Submissions (4):

GeneDx
Classification: Uncertain significance. Last evaluated: 2025-01-27. Review status: criteria provided, single submitter. Criteria: GeneDx Variant Classification Process June 2021. Collection method: clinical testing. Allele origin: germline. Affected: yes.
Comment: Reported in a cohort of patients with polycystic kidney disease in published literature (PMID: 26139440); case level data not provided; In silico analysis supports a deleterious effect on splicing; In silico analysis supports that this missense variant has a deleterious effect on protein structure/function; This variant is associated with the following publications: (PMID: Gok2024[CaseReport], 26139440, 38971859)

ARUP Laboratories, Molecular Genetics and Genomics, ARUP Laboratories
Classification: Uncertain significance for Polycystic kidney disease, adult type. Last evaluated: 2018-10-18. Review status: criteria provided, single submitter. Criteria: ARUP Molecular Germline Variant Investigation Process. Collection method: clinical testing. Allele origin: germline.
Comment: The PKD1 c.11014C>T; p.Arg3672Trp variant (rs140389000), is reported in the literature in at least one individual affected with prenatal autosomal dominant polycystic kidney disease who also carried a pathogenic familial PKD1 variant on the opposite chromosome (Audrezet 2016). This variant is found in the East Asian population with an allele frequency of 0.019% (3/15,982 alleles) in the Genome Aggregation Database. The arginine at codon 3672 is weakly conserved, but computational analyses (SIFT, PolyPhen-2) predict that this variant is deleterious. Other computational analyses (Alamut v.2.11) predict that this variant may impact splicing by weakening the nearby canonical donor splice site, although without mRNA studies the effect of this variant on splicing is unknown. Due to limited information, the clinical significance of the p.Arg3672Trp variant is uncertain at this time. References: Audrezet MP et al. Comprehensive PKD1 and PKD2 Mutation Analysis in Prenatal Autosomal Dominant Polycystic Kidney Disease. J Am Soc Nephrol. 2016 Mar;27(3):722-9.

Athena Diagnostics
Classification: Uncertain significance. Last evaluated: 2018-08-28. Review status: criteria provided, single submitter. Criteria: Athena Diagnostics Criteria. Collection method: clinical testing. Allele origin: germline.

Breakthrough Genomics
Classification: Uncertain significance. Review status: criteria provided, single submitter. Criteria: ACMG Guidelines, 2015. Collection method: not provided. Allele origin: germline. Inheritance: Autosomal dominant inheritance. Affected: yes.

NM_001009944.3(PKD1):c.11014C>T (p.Arg3672Trp)

Genes: PKD1 (polycystin 1, transient receptor potential channel interacting; minus strand), PKD1-AS1 (PKD1 antisense RNA 1; plus strand). Cytogenetic location: 16p13.3.
Variant type: single nucleotide variant.
Coding change: c.11014C>T on transcript NM_001009944.3 (MANE Select); coding-DNA position 11014, C replaced by T.
Protein change: p.Arg3672Trp; replaces arginine 3672 with tryptophan.
Molecular consequence: missense variant.
Genome position (GRCh38, 1-based): chr16:2,093,546, G>A on the plus strand (C>T on the coding strand, the complement: PKD1 is on the minus strand). VCF-style: chr16-2093546-G-A. GRCh37 (hg19) VCF-style: chr16-2143547-G-A.
Other names: c.11014C>T (NM_001009944.2); c.11011C>T, p.Arg3671Trp (NM_000296.4); short protein forms R3671W, R3672W.
Identifiers: ClinVar variation 805136 (VCV000805136.11), dbSNP rs140389000, ClinGen allele CA7829359.
Genomic context (GRCh38, chr16:2,093,546, plus strand): 5'-TGGGAGGTGGGAGACAAGAGACGGAGGTGGCAGGGGCACAGGCCGCACCCAGGCTCACCC[G>A]CAGCATGCCATGTAGCCTCTTGACCTTGCGGGCTTCTTCCTTGGCCAGGAAGAGTGCAAA-3'
Protein context (NP_001009944.3, residues 3662-3682): RKVKRLHGML[Arg3672Trp]SLLVYMLFLL